The following is an entry in ClinVar:

NM_005359.6(SMAD4):c.-6G>T

Gene: SMAD4 (SMAD family member 4; plus strand). Cytogenetic location: 18q21.2.
Variant type: single nucleotide variant.
Coding change: c.-6G>T on transcript NM_005359.6 (MANE Select); 6 bases upstream of the start codon, G replaced by T.
Molecular consequence: 5 prime UTR variant. On other transcripts: non-coding transcript variant (2).
Genome position (GRCh38, 1-based): chr18:51,047,041, G>T. VCF-style: chr18-51047041-G-T. GRCh37 (hg19) VCF-style: chr18-48573411-G-T.
Other names: c.-6G>T (NM_001407041.1, NM_001407042.1, NM_001407043.1).
Identifiers: ClinVar variation 3780946 (VCV003780946.2).
Genomic context (GRCh38, chr18:51,047,041, plus strand): 5'-TCCAAAGGATCAAAATTGCTTCAGAAATTGGAGACATATTTGATTTAAAAGGAAAAACTT[G>T]AACAAATGGACAATATGTCTATTACGAATACACCAACAAGTAATGATGCCTGTCTGAGCA-3'

ClinVar aggregate classification (germline): Conflicting classifications of pathogenicity. Review status: criteria provided, conflicting classifications (1 of 4 stars). 2 submissions from 2 submitters: Uncertain significance (1); Likely benign (1). Last evaluated 2026-01-09.

Conditions:
Juvenile polyposis syndrome (JPS). Identifiers: Orphanet 2929, MedGen C0345893, MONDO:0017380, OMIM 174900.
SMAD4-related disorder. Also called: SMAD4-related condition; SMAD4-Related disorders.

Submissions (2):

PreventionGenetics, part of Exact Sciences
Classification: Likely benign for SMAD4-related condition. Last evaluated: 2026-01-09. Review status: criteria provided, single submitter. Criteria: ACMG Guidelines, 2015. Collection method: clinical testing. Allele origin: germline.
Comment: This variant is classified as likely benign based on ACMG/AMP sequence variant interpretation guidelines (Richards et al. 2015 PMID: 25741868, with internal and published modifications).

Department of Pathology and Laboratory Medicine, Sinai Health System
Classification: Uncertain significance for Juvenile polyposis syndrome. Last evaluated: 2023-01-04. Review status: criteria provided, single submitter. Criteria: ACMG Guidelines, 2015. Collection method: clinical testing. Allele origin: germline. Affected: yes.